The following is an entry in ClinVar:

ClinVar aggregate classification (germline): Uncertain significance (1 of 4 stars; one submission).

Allele frequency attached by ClinVar (database versions not stated): TOPMed 0.00002; ESP Exome Variant Server 0.00008; ExAC 0.00001; gnomAD 0.00001.
gnomAD v4.1: 6 of 1,613,762 alleles (0.00037%); highest among the groups gnomAD compares: Admixed American, 0.0017%; no homozygotes.

Submission:

Labcorp Genetics (formerly Invitae), Labcorp
Classification: Uncertain significance. Last evaluated: 2025-06-20. Review status: criteria provided, single submitter. Criteria: Invitae Variant Classification Sherloc (09022015). Collection method: clinical testing. Allele origin: germline.
Comment: This sequence change replaces proline, which is neutral and non-polar, with leucine, which is neutral and non-polar, at codon 600 of the MAP3K20 protein (p.Pro600Leu). This variant is not present in population databases (gnomAD no frequency). This variant has not been reported in the literature in individuals affected with MAP3K20-related conditions. ClinVar contains an entry for this variant (Variation ID: 1931762). Invitae Evidence Modeling of protein sequence and biophysical properties (such as structural, functional, and spatial information, amino acid conservation, physicochemical variation, residue mobility, and thermodynamic stability) indicates that this missense variant is not expected to disrupt MAP3K20 protein function with a negative predictive value of 95%. In summary, the available evidence is currently insufficient to determine the role of this variant in disease. Therefore, it has been classified as a Variant of Uncertain Significance.

NM_016653.3(MAP3K20):c.1799C>T (p.Pro600Leu)

Genes: MAP3K20 (mitogen-activated protein kinase kinase kinase 20; plus strand), MAP3K20-AS1 (MAP3K20 antisense RNA 1; minus strand). Cytogenetic location: 2q31.1.
Variant type: single nucleotide variant.
Coding change: c.1799C>T on transcript NM_016653.3 (MANE Select); coding-DNA position 1799, C replaced by T.
Protein change: p.Pro600Leu; replaces proline 600 with leucine.
Molecular consequence: missense variant.
Genome position (GRCh38, 1-based): chr2:173,266,146, C>T. VCF-style: chr2-173266146-C-T. GRCh37 (hg19) VCF-style: chr2-174130874-C-T.
Other names: short protein forms P600L.
Identifiers: ClinVar variation 1931762 (VCV001931762.5), dbSNP rs372585282, ClinGen allele CA1970964.
Genomic context (GRCh38, chr2:173,266,146, plus strand): 5'-GGCAGATTGCATCCAACACTTCTTTACAGCGTTCCCAGAGCAATCCTATTCTGGGGTCAC[C>T]GTTCTTCTCACACTTTGATGGCCAGGATTCCTACGCTGCTGCTGTGAGACGGCCCCAGGT-3'
Protein context (NP_057737.2, residues 590-610): RSQSNPILGS[Pro600Leu]FFSHFDGQDS